The following is an entry in ClinVar:

NM_001244008.2(KIF1A):c.4391G>T (p.Gly1464Val)

Gene: KIF1A (kinesin family member 1A; minus strand). Cytogenetic location: 2q37.3.
Variant type: single nucleotide variant.
Coding change: c.4391G>T on transcript NM_001244008.2 (MANE Select); coding-DNA position 4391, G replaced by T.
Protein change: p.Gly1464Val; replaces glycine 1464 with valine.
Molecular consequence: missense variant.
Genome position (GRCh38, 1-based): chr2:240,723,486, C>A on the plus strand (G>T on the coding strand, the complement: KIF1A is on the minus strand). VCF-style: chr2-240723486-C-A. GRCh37 (hg19) VCF-style: chr2-241662903-C-A.
Other names: c.4115G>T, p.Gly1372Val (NM_001320705.2, NM_001379649.1); c.4142G>T, p.Gly1381Val (NM_001330289.2); c.4190G>T, p.Gly1397Val (NM_001330290.2, NM_001379648.1); c.4466G>T, p.Gly1489Val (NM_001379631.1); c.4367G>T, p.Gly1456Val (NM_001379632.1); c.4364G>T, p.Gly1455Val (NM_001379633.1, NM_001379645.1); c.4217G>T, p.Gly1406Val (NM_001379634.1); c.4214G>T, p.Gly1405Val (NM_001379635.1, NM_001379646.1); and 7 more; short protein forms G1362V, G1363V, G1371V, G1372V, G1380V, G1381V, G1388V, G1397V.
Identifiers: ClinVar variation 1003221 (VCV001003221.10), dbSNP rs1477553245, ClinGen allele CA351305309.

ClinVar aggregate classification (germline): Conflicting classifications of pathogenicity. Review status: criteria provided, conflicting classifications (1 of 4 stars). 3 submissions from 3 submitters: Uncertain significance (2); Likely benign (1). Last evaluated 2026-08-05.

Conditions:
KIF1A-related disorder. Also called: KIF1A-related disorders; KIF1A-related condition.
Inborn genetic diseases. Identifiers: MedGen C0950123, MeSH D030342.
Hereditary spastic paraplegia 30. Identifiers: Orphanet 101010, MedGen C5235139, MONDO:0012476.
Intellectual disability, autosomal dominant 9 (NESCAVS). Also called: KIF1A-Related Neurodevelopmental Disorder; NESCAV SYNDROME. Identifiers: Orphanet 662367, MedGen C5393830, MONDO:0013656, OMIM 614255.
Neuropathy, hereditary sensory, type 2C. Also called: Hereditary sensory and autonomic neuropathy type IIC; KIF1A-Related HSAN2 (HSAN2C). Identifiers: Orphanet 970, MedGen C3280168, MONDO:0013634, OMIM 614213.

Allele frequency attached by ClinVar (database versions not stated): gnomAD exomes below 0.00001 and 0.00001.
gnomAD v4.1: 2 of 1,552,212 alleles (0.00013%); highest among the groups gnomAD compares: Admixed American, 0.0019%; no homozygotes.

Submissions (3):

PreventionGenetics, part of Exact Sciences
Classification: Uncertain significance for KIF1A-related condition. Last evaluated: 2026-08-05. Review status: criteria provided, single submitter. Criteria: ACMG Guidelines, 2015. Collection method: clinical testing. Allele origin: germline.
Comment: The KIF1A c.4391G>T variant is predicted to result in the amino acid substitution p.Gly1464Val. To our knowledge, this variant has not been reported in the literature. This variant is reported in 0.0016% of alleles in individuals of European (non-Finnish) descent in gnomAD. At this time, the clinical significance of this variant is uncertain due to the absence of conclusive functional and genetic evidence.

Labcorp Genetics (formerly Invitae), Labcorp
Classification: Likely benign for Hereditary spastic paraplegia 30; Neuropathy, hereditary sensory, type 2C; Intellectual disability, autosomal dominant 9. Last evaluated: 2025-04-08. Review status: criteria provided, single submitter. Criteria: Invitae Variant Classification Sherloc (09022015). Collection method: clinical testing. Allele origin: germline.

Ambry Genetics
Classification: Uncertain significance for Inborn genetic diseases. Last evaluated: 2022-09-30. Review status: criteria provided, single submitter. Criteria: Ambry Variant Classification Scheme 2023. Collection method: clinical testing. Allele origin: germline.
Comment: The p.G1464V variant (also known as c.4391G>T), located in coding exon 41 of the KIF1A gene, results from a G to T substitution at nucleotide position 4391. The glycine at codon 1464 is replaced by valine, an amino acid with dissimilar properties. This amino acid position is highly conserved in available vertebrate species. In addition, this alteration is predicted to be deleterious by in silico analysis. The evidence for this gene-disease relationship is limited; therefore, the clinical significance of this alteration is unclear.